The following is an entry in ClinVar:

ClinVar aggregate classification (germline): Pathogenic (1 of 4 stars; one submission).

Submission:

Labcorp Genetics (formerly Invitae), Labcorp
Classification: Pathogenic. Last evaluated: 2024-08-27. Review status: criteria provided, single submitter. Criteria: Invitae Variant Classification Sherloc (09022015). Collection method: clinical testing. Allele origin: germline.
Comment: This sequence change creates a premature translational stop signal (p.Pro308Alafs*10) in the RIN2 gene. It is expected to result in an absent or disrupted protein product. Loss-of-function variants in RIN2 are known to be pathogenic (PMID: 19631308). This variant is not present in population databases (gnomAD no frequency). This variant has not been reported in the literature in individuals affected with RIN2-related conditions. For these reasons, this variant has been classified as Pathogenic.

Literature cited by the submitters: PubMed 19631308.

NM_018993.4(RIN2):c.921_922insG (p.Pro308fs)

Gene: RIN2 (Ras and Rab interactor 2; plus strand). Cytogenetic location: 20p11.23.
Variant type: Insertion.
Coding change: c.921_922insG on transcript NM_018993.4 (MANE Select); coding-DNA positions 921 to 922, G inserted.
Protein change: p.Pro308fs; shifts the reading frame from proline 308.
Molecular consequence: frameshift variant.
Genome position: GRCh38 VCF-style: chr20-19974946-C-CG. GRCh37 (hg19) VCF-style: chr20-19955590-C-CG.
Other names: c.1068_1069insG, p.Pro357fs (NM_001242581.2); c.303_304insG, p.Pro102fs (NM_001378238.1); short protein forms P357fs, P102fs, P308fs.
Identifiers: ClinVar variation 3663530 (VCV003663530.2).